The following is an entry in ClinVar:

NM_001211.6(BUB1B):c.571T>C (p.Ser191Pro)

Gene: BUB1B (BUB1 mitotic checkpoint serine/threonine kinase B; plus strand). Cytogenetic location: 15q15.1.
Variant type: single nucleotide variant.
Coding change: c.571T>C on transcript NM_001211.6 (MANE Select); coding-DNA position 571, T replaced by C.
Protein change: p.Ser191Pro; replaces serine 191 with proline.
Molecular consequence: missense variant.
Genome position (GRCh38, 1-based): chr15:40,176,663, T>C. VCF-style: chr15-40176663-T-C. GRCh37 (hg19) VCF-style: chr15-40468864-T-C.
Other names: short protein forms S191P.
Identifiers: ClinVar variation 3221434 (VCV003221434.1), dbSNP rs2542524398, ClinGen allele CA391681556.

ClinVar aggregate classification (germline): Uncertain significance (1 of 4 stars; one submission).

Conditions:
Inborn genetic diseases. Identifiers: MedGen C0950123, MeSH D030342.

Submission:

Ambry Genetics
Classification: Uncertain significance for Inborn genetic diseases. Last evaluated: 2023-09-21. Review status: criteria provided, single submitter. Criteria: Ambry Variant Classification Scheme 2023. Collection method: clinical testing. Allele origin: germline.
Comment: The p.S191P variant (also known as c.571T>C), located in coding exon 5 of the BUB1B gene, results from a T to C substitution at nucleotide position 571. The serine at codon 191 is replaced by proline, an amino acid with similar properties. This amino acid position is conserved. In addition, this alteration is predicted to be tolerated by in silico analysis. Since supporting evidence is limited at this time, the clinical significance of this alteration remains unclear.